The following is an entry in ClinVar:

ClinVar aggregate classification (germline): Pathogenic (1 of 4 stars; one submission).

Conditions:
GNE myopathy (NM). Also called: INCLUSION BODY MYOPATHY 2, AUTOSOMAL RECESSIVE; MYOPATHY, DISTAL, WITH OR WITHOUT RIMMED VACUOLES; IBM 2; Inclusion body myopathy autosomal recessive; Inclusion body myopathy quadriceps sparing; NONAKA DISTAL MYOPATHY. Identifiers: Orphanet 602, MedGen C1853926, MONDO:0011603, OMIM 605820.

Submission:

Myriad Genetics, Inc.
Classification: Pathogenic for GNE myopathy. Last evaluated: 2024-01-30. Review status: criteria provided, single submitter. Criteria: Myriad Autosomal Dominant, Autosomal Recessive and X-Linked Classification Criteria (2023). Collection method: clinical testing. Allele origin: unknown.
Comment: NM_001128227.2(GNE):c.1397_1400delCTCA(T466Sfs*13) is expected to be pathogenic in the context of GNE myopathy. This variant is predicted to lead to an abnormal or absent protein product due to the creation of a premature termination codon in GNE, a gene where loss-of-function variants are known to be pathogenic. Please note: this variant was assessed in the context of healthy population screening.

NM_005476.7(GNE):c.1304_1307del (p.Thr435fs)

Gene: GNE (glucosamine (UDP-N-acetyl)-2-epimerase/N-acetylmannosamine kinase; minus strand). Cytogenetic location: 9p13.3.
Variant type: Deletion.
Coding change: c.1304_1307del on transcript NM_005476.7 (MANE Select); coding-DNA positions 1304 to 1307, 4 bases deleted (CTCA; older notation c.1304_1307delCTCA).
Protein change: p.Thr435fs; shifts the reading frame from threonine 435.
Molecular consequence: frameshift variant.
Genome position (GRCh38, 1-based): chr9:36,223,477-36,223,480, TGAG deleted on the plus strand (CTCA on the coding strand, the reverse complement: GNE is on the minus strand); deleting any 4 consecutive bases within chr9:36,223,477-36,223,481 gives the same sequence; the c. name uses the placement nearest the transcript's 3' end. VCF-style (leftmost placement, unchanged base first): chr9-36223476-CTGAG-C. GRCh37 (hg19) VCF-style: chr9-36223473-CTGAG-C.
Other names: c.1397_1400del, p.Thr466fs (NM_001128227.3); c.1304_1307del, p.Thr435fs (NM_001190383.3); c.974_977del, p.Thr325fs (NM_001190384.3); c.1127_1130del, p.Thr376fs (NM_001190388.2, NM_001374798.1); c.1151_1154del, p.Thr384fs (NM_001374797.1); short protein forms T325fs, T376fs, T384fs, T435fs, T466fs.
Identifiers: ClinVar variation 5012699 (VCV005012699.1).
Genomic context (GRCh38, chr9:36,223,476, plus strand): 5'-AGCTTCCACACACATCTGTAGGATTAAATTAATCCTCTCTTCATAGGTTTTAGGATTGAA[CTGAG>C]TATACTTCTTAACTATTTCACCCTAAAAGAGAAAACAACAAGTTCCGTCTTACTGGTCTT-3'